The following is an entry in ClinVar:

ClinVar aggregate classification (germline): Uncertain significance (1 of 4 stars; one submission).

Submission:

Dasa
Classification: Uncertain significance. Last evaluated: 2025-08-06. Review status: criteria provided, single submitter. Criteria: DASA Assertion Criteria. Collection method: clinical testing. Allele origin: germline.
Comment: NM_014159.7(SETD2):c.3332A>G (p.His1111Arg) is a missense variant that results in the substitution of histidine with arginine. This variant is rare in population databases. Computational prediction algorithms are consistent with a benign effect. The currently available literature and clinical evidence are not sufficient to establish a definitive association between this variant and the reported condition. Therefore, this variant is classified as a variant of uncertain significance.

NM_014159.7(SETD2):c.3332A>G (p.His1111Arg)

Gene: SETD2 (SET domain containing 2, histone lysine methyltransferase; minus strand). Cytogenetic location: 3p21.31.
Variant type: single nucleotide variant.
Coding change: c.3332A>G on transcript NM_014159.7 (MANE Select); coding-DNA position 3332, A replaced by G.
Protein change: p.His1111Arg; replaces histidine 1111 with arginine.
Molecular consequence: missense variant. On other transcripts: non-coding transcript variant (1).
Genome position (GRCh38, 1-based): chr3:47,121,304, T>C on the plus strand (A>G on the coding strand, the complement: SETD2 is on the minus strand). VCF-style: chr3-47121304-T-C. GRCh37 (hg19) VCF-style: chr3-47162794-T-C.
Other names: c.3200A>G, p.His1067Arg (NM_001349370.3); short protein forms H1067R, H1111R.
Identifiers: ClinVar variation 4882100 (VCV004882100.2).